The following is an entry in ClinVar:

NM_020919.4(ALS2):c.4416G>A (p.Thr1472=)

Gene: ALS2 (alsin Rho guanine nucleotide exchange factor ALS2; minus strand). Cytogenetic location: 2q33.1.
Variant type: single nucleotide variant.
Coding change: c.4416G>A on transcript NM_020919.4 (MANE Select); coding-DNA position 4416, G replaced by A.
Protein change: p.Thr1472=; no amino-acid change (threonine 1472 retained).
Molecular consequence: synonymous variant.
Genome position (GRCh38, 1-based): chr2:201,707,010, C>T on the plus strand (G>A on the coding strand, the complement: ALS2 is on the minus strand). VCF-style: chr2-201707010-C-T. GRCh37 (hg19) VCF-style: chr2-202571733-C-T.
Identifiers: ClinVar variation 333585 (VCV000333585.45), dbSNP rs200202953, ClinGen allele CA2057570.

ClinVar aggregate classification (germline): Conflicting classifications of pathogenicity. Review status: criteria provided, conflicting classifications (1 of 4 stars). 8 submissions from 7 submitters: Uncertain significance (2); Benign (2); Likely benign (4). Last evaluated 2026-02-01.

Conditions:
ALS2-related disorder. Also called: ALS2-related disorders; ALS2-Related Spectrum Disorders; ALS2-related condition. Identifiers: MedGen CN169291.
Infantile-onset ascending hereditary spastic paralysis (IAHSP). Also called: Infantile-Onset Ascending Hereditary Spastic Paralysis (IAHSP); Autosomal Recessive Juvenile Amyotrophic Lateral Sclerosis. Identifiers: Orphanet 293168, MedGen C2931441, MONDO:0011797, OMIM 607225. Disease mechanism: loss of function.
Amyotrophic lateral sclerosis type 2, juvenile. Also called: ALS, JUVENILE; Amyotrophic lateral sclerosis type 2. Identifiers: Orphanet 300605, MedGen C1859807, MONDO:0008780, OMIM 205100.

Allele frequency attached by ClinVar (database versions not stated): ESP Exome Variant Server 0.00033; gnomAD 0.00053 and 0.00056; TOPMed 0.00057; ExAC 0.00074; gnomAD exomes 0.00083.
gnomAD v4.1: 764 of 1,613,350 alleles (0.047%); highest among the groups gnomAD compares: Middle Eastern, 0.033%; 5 homozygotes.

Submissions (8):

Labcorp Genetics (formerly Invitae), Labcorp
Classification: Benign for Infantile-onset ascending hereditary spastic paralysis. Last evaluated: 2026-02-01. Review status: criteria provided, single submitter. Criteria: Invitae Variant Classification Sherloc (09022015). Collection method: clinical testing. Allele origin: germline.

PreventionGenetics, part of Exact Sciences
Classification: Likely benign for ALS2-related condition. Last evaluated: 2024-12-02. Review status: criteria provided, single submitter. Criteria: ACMG Guidelines, 2015. Collection method: clinical testing. Allele origin: germline.
Comment: This variant is classified as likely benign based on ACMG/AMP sequence variant interpretation guidelines (Richards et al. 2015 PMID: 25741868, with internal and published modifications).

Blueprint Genetics
Classification: Likely benign. Last evaluated: 2024-11-21. Review status: criteria provided, single submitter. Criteria: ACMG Guidelines, 2015. Collection method: clinical testing. Allele origin: germline.

CeGaT Center for Human Genetics Tuebingen
Classification: Likely benign. Last evaluated: 2022-11-01. Review status: criteria provided, single submitter. Criteria: CeGaT Center For Human Genetics Tuebingen Variant Classification Criteria Version 2. Collection method: clinical testing. Allele origin: germline. Affected: yes. Observed: 1 variant allele.
Comment: ALS2: BP4, BP7

GeneDx
Classification: Likely benign. Last evaluated: 2021-09-08. Review status: criteria provided, single submitter. Criteria: GeneDx Variant Classification Process June 2021. Collection method: clinical testing. Allele origin: germline. Affected: yes.

Athena Diagnostics
Classification: Benign. Last evaluated: 2020-09-02. Review status: criteria provided, single submitter. Criteria: Athena Diagnostics criteria. Collection method: clinical testing. Allele origin: unknown.

Illumina Laboratory Services, Illumina
Classification: Uncertain significance for Amyotrophic lateral sclerosis type 2. Last evaluated: 2018-01-13. Review status: criteria provided, single submitter. Criteria: ICSL Variant Classification Criteria 13 December 2019. Collection method: clinical testing. Allele origin: germline.

Illumina Laboratory Services, Illumina
Classification: Uncertain significance for ALS2-Related Disorders. Last evaluated: 2018-01-13. Review status: criteria provided, single submitter. Criteria: ICSL Variant Classification Criteria 13 December 2019. Collection method: clinical testing. Allele origin: germline.